The following is an entry in ClinVar:

ClinVar aggregate classification (germline): Uncertain significance. Review status: criteria provided, multiple submitters, no conflicts (2 of 4 stars). 3 submissions from 3 submitters: Uncertain significance (2). 1 of the submissions does not count toward it. Last evaluated 2022-03-16.

Conditions:
F13A1-related disorder. Also called: F13A1-related condition.
Thrombophilia due to thrombin defect (THPH1). Also called: Prothrombin Thrombophilia; Thrombosis susceptibility; THROMBOPHILIA DUE TO FACTOR 2 DEFECT; Prothrombin-Related Thrombophilia (Factor II). Identifiers: MedGen C3160733, MONDO:0008559, OMIM 188050. Disease mechanism: gain of function, loss of function.
Factor XIII, A subunit, deficiency of. Also called: Factor XIII subunit A deficiency. Identifiers: Orphanet 331, MedGen C2750514, MONDO:0013187, OMIM 613225, HP:0040233.

Allele frequency attached by ClinVar (database versions not stated): gnomAD exomes 0.00019; ExAC 0.00025; 1000 Genomes Project 30x 0.00031; ESP Exome Variant Server 0.00046; gnomAD 0.00050 and 0.00054; TOPMed 0.00054 and 0.00056.
gnomAD v4.1: 225 of 1,613,386 alleles (0.014%); highest among the groups gnomAD compares: African/African-American, 0.21%; no homozygotes.

Submissions (3):

Department of Pathology and Laboratory Medicine, Sinai Health System
Classification: Uncertain significance for Thrombophilia due to thrombin defect; Factor XIII, A subunit, deficiency of. Last evaluated: 2022-03-16. Review status: criteria provided, single submitter. Criteria: ACMG Guidelines, 2015. Collection method: research. Allele origin: germline.

Breakthrough Genomics
Classification: Uncertain significance. Review status: criteria provided, single submitter. Criteria: ACMG Guidelines, 2015. Collection method: not provided. Allele origin: germline. Inheritance: Autosomal recessive inheritance. Affected: yes.

PreventionGenetics, part of Exact Sciences
Classification: Likely benign for F13A1-related condition. Last evaluated: 2024-02-07. Review status: no assertion criteria provided. Collection method: clinical testing. Allele origin: germline. Not counted in ClinVar's aggregate classification.
Comment: This variant is classified as likely benign based on ACMG/AMP sequence variant interpretation guidelines (Richards et al. 2015 PMID: 25741868, with internal and published modifications).

NM_000129.4(F13A1):c.118G>A (p.Val40Ile)

Gene: F13A1 (coagulation factor XIII A chain; minus strand). Cytogenetic location: 6p25.1.
Variant type: single nucleotide variant.
Coding change: c.118G>A on transcript NM_000129.4 (MANE Select); coding-DNA position 118, G replaced by A.
Protein change: p.Val40Ile; replaces valine 40 with isoleucine.
Molecular consequence: missense variant.
Genome position (GRCh38, 1-based): chr6:6,318,547, C>T on the plus strand (G>A on the coding strand, the complement: F13A1 is on the minus strand). VCF-style: chr6-6318547-C-T. GRCh37 (hg19) VCF-style: chr6-6318780-C-T.
Other names: c.118G>A (NM_000129.3); short protein forms V40I.
Identifiers: ClinVar variation 3039473 (VCV003039473.4), dbSNP rs3024472, ClinGen allele CA3624772.
Genomic context (GRCh38, chr6:6,318,547, plus strand): 5'-CGGCTGTGCCTGGACCCAGAGTGGTGGGGAAGGGGGGTATGCTCATACCTTGCAGGTTGA[C>T]GCCCCGGGGCACCACGCCCTGAAGCTCCACTGTGGGCAGGTCATCTTCCGCTGCATTAGA-3'
Protein context (NP_000120.2, residues 30-50): VELQGVVPRG[Val40Ile]NLQEFLNVTS